The following is an entry in ClinVar:

ClinVar aggregate classification (germline): Uncertain significance. Review status: criteria provided, multiple submitters, no conflicts (2 of 4 stars). 2 submissions from 2 submitters: Uncertain significance (2). Last evaluated 2026-01-11.

Allele frequency attached by ClinVar (database versions not stated): gnomAD exomes 0.00001; TOPMed 0.00001; gnomAD 0.00001.
gnomAD v4.1: 22 of 1,607,456 alleles (0.0014%); highest among the groups gnomAD compares: Admixed American, 0.0017%; no homozygotes.

Submissions (2):

Labcorp Genetics (formerly Invitae), Labcorp
Classification: Uncertain significance. Last evaluated: 2026-01-11. Review status: criteria provided, single submitter. Criteria: Invitae Variant Classification Sherloc (09022015). Collection method: clinical testing. Allele origin: germline.
Comment: This sequence change replaces proline, which is neutral and non-polar, with leucine, which is neutral and non-polar, at codon 1147 of the ITGAM protein (p.Pro1147Leu). The frequency data for this variant in the population databases is considered unreliable, as metrics indicate poor data quality at this position in the gnomAD database. This variant has not been reported in the literature in individuals affected with ITGAM-related conditions. ClinVar contains an entry for this variant (Variation ID: 2965453). An algorithm developed to predict the effect of missense changes on protein structure and function (PolyPhen-2) suggests that this variant is likely to be tolerated. In summary, the available evidence is currently insufficient to determine the role of this variant in disease. Therefore, it has been classified as a Variant of Uncertain Significance.

Ambry Genetics
Classification: Uncertain significance. Last evaluated: 2023-09-29. Review status: criteria provided, single submitter. Criteria: Ambry Variant Classification Scheme 2023. Collection method: clinical testing. Allele origin: germline.

NM_000632.4(ITGAM):c.3440C>T (p.Pro1147Leu)

Gene: ITGAM (integrin subunit alpha M; plus strand). Cytogenetic location: 16p11.2.
Variant type: single nucleotide variant.
Coding change: c.3440C>T on transcript NM_000632.4 (MANE Select); coding-DNA position 3440, C replaced by T.
Protein change: p.Pro1147Leu; replaces proline 1147 with leucine.
Molecular consequence: missense variant.
Genome position (GRCh38, 1-based): chr16:31,331,688, C>T. VCF-style: chr16-31331688-C-T. GRCh37 (hg19) VCF-style: chr16-31343009-C-T.
Other names: c.3440C>T (NM_000632.3); c.3443C>T, p.Pro1148Leu (NM_001145808.2); short protein forms P1147L, P1148L.
Identifiers: ClinVar variation 2965453 (VCV002965453.4), dbSNP rs776413889, ClinGen allele CA8026249.